The following is an entry in ClinVar:

ClinVar aggregate classification (germline): Conflicting classifications of pathogenicity. Review status: criteria provided, conflicting classifications (1 of 4 stars). 7 submissions from 7 submitters: Uncertain significance (3); Likely benign (4). Last evaluated 2026-01-11.

Conditions:
HPS6-related disorder. Also called: HPS6-related condition.
Hermansky-Pudlak syndrome 6 (HPS6). Identifiers: Orphanet 231512, Orphanet 79430, MedGen C3888007, MONDO:0013558, OMIM 614075.

Allele frequency attached by ClinVar (database versions not stated): gnomAD exomes 0.00005 and 0.00021; gnomAD 0.00015 and 0.00016; 1000 Genomes Project 30x 0.00016; ExAC 0.00019; TOPMed 0.00019; 1000 Genomes Project 0.00020.

Submissions (7):

Labcorp Genetics (formerly Invitae), Labcorp
Classification: Likely benign. Last evaluated: 2026-01-11. Review status: criteria provided, single submitter. Criteria: Invitae Variant Classification Sherloc (09022015). Collection method: clinical testing. Allele origin: germline.

PreventionGenetics, part of Exact Sciences
Classification: Likely benign for HPS6-related condition. Last evaluated: 2025-07-29. Review status: criteria provided, single submitter. Criteria: ACMG Guidelines, 2015. Collection method: clinical testing. Allele origin: germline.
Comment: This variant is classified as likely benign based on ACMG/AMP sequence variant interpretation guidelines (Richards et al. 2015 PMID: 25741868, with internal and published modifications).

GeneDx
Classification: Uncertain significance. Last evaluated: 2025-06-25. Review status: criteria provided, single submitter. Criteria: GeneDx Variant Classification Process June 2021. Collection method: clinical testing. Allele origin: germline. Affected: yes.
Comment: In silico analysis supports that this missense variant has a deleterious effect on protein structure/function; Has not been previously published as pathogenic or benign to our knowledge

Women's Health and Genetics/Laboratory Corporation of America, LabCorp
Classification: Likely benign. Last evaluated: 2025-05-12. Review status: criteria provided, single submitter. Criteria: LabCorp Variant Classification Summary - May 2015. Collection method: clinical testing. Allele origin: germline.
Comment: Variant summary: HPS6 c.1951C>T (p.Arg651Trp) results in a non-conservative amino acid change in the encoded protein sequence. Algorithms developed to predict the effect of missense changes on protein structure and function all suggest that this variant is likely to be disruptive. The variant allele was found at a frequency of 0.00021 in 250338 control chromosomes, predominantly at a frequency of 0.001 within the East Asian subpopulation in the gnomAD database, including 1 homozygote. The observed variant frequency within East Asian control individuals in the gnomAD database is approximately 1.6-fold of the estimated maximal expected allele frequency for a pathogenic variant in HPS6 causing Hermansky-Pudlak Syndrome phenotype (0.00063). To our knowledge, no occurrence of c.1951C>T in individuals affected with Hermansky-Pudlak Syndrome and no experimental evidence demonstrating its impact on protein function have been reported. ClinVar contains an entry for this variant (Variation ID: 880438). Based on the evidence outlined above, the variant was classified as likely benign.

Blueprint Genetics
Classification: Likely benign. Last evaluated: 2024-11-06. Review status: criteria provided, single submitter. Criteria: ACMG Guidelines, 2015. Collection method: clinical testing. Allele origin: germline.

Genetics and Molecular Pathology, SA Pathology
Classification: Uncertain significance for Hermansky-Pudlak syndrome 6. Last evaluated: 2022-12-22. Review status: criteria provided, single submitter. Criteria: ACMG Guidelines, 2015. Collection method: clinical testing. Allele origin: germline. Inheritance: Autosomal recessive inheritance. Affected: yes.

Illumina Laboratory Services, Illumina
Classification: Uncertain significance for Hermansky-Pudlak syndrome 6. Last evaluated: 2018-01-13. Review status: criteria provided, single submitter. Criteria: ICSL Variant Classification Criteria 13 December 2019. Collection method: clinical testing. Allele origin: germline.

NM_024747.6(HPS6):c.1951C>T (p.Arg651Trp)

Gene: HPS6 (HPS6 biogenesis of lysosomal organelles complex 2 subunit 3; plus strand). Cytogenetic location: 10q24.32.
Variant type: single nucleotide variant.
Coding change: c.1951C>T on transcript NM_024747.6 (MANE Select); coding-DNA position 1951, C replaced by T.
Protein change: p.Arg651Trp; replaces arginine 651 with tryptophan.
Molecular consequence: missense variant.
Genome position (GRCh38, 1-based): chr10:102,067,425, C>T. VCF-style: chr10-102067425-C-T. GRCh37 (hg19) VCF-style: chr10-103827182-C-T.
Other names: short protein forms R651W.
Identifiers: ClinVar variation 880438 (VCV000880438.15), dbSNP rs376165374, ClinGen allele CA5660071.